The following is an entry in ClinVar:

NM_001372051.1(CASP8):c.251A>G (p.Glu84Gly)

Gene: CASP8 (caspase 8; plus strand). Cytogenetic location: 2q33.1.
Variant type: single nucleotide variant.
Coding change: c.251A>G on transcript NM_001372051.1 (MANE Select); coding-DNA position 251, A replaced by G.
Protein change: p.Glu84Gly; replaces glutamic acid 84 with glycine.
Molecular consequence: missense variant. On other transcripts: 5 prime UTR variant (9), non-coding transcript variant (22), intron variant (3).
Genome position (GRCh38, 1-based): chr2:201,266,737, A>G. VCF-style: chr2-201266737-A-G. GRCh37 (hg19) VCF-style: chr2-202131460-A-G.
Other names: c.251A>G, p.Glu84Gly (NM_001080124.2, NM_001228.5, NM_001400645.1 and 21 more transcripts); c.428A>G, p.Glu143Gly (NM_001080125.2, NM_001400642.1, NM_001400665.1); c.-282A>G (NM_001400671.1, NM_001400673.1, NM_001400676.1 and 4 more transcripts); c.-463A>G (NM_001400674.1); c.-361A>G (NM_001400680.1); c.-4-4779A>G (NM_001400669.1); c.-227-4779A>G (NM_001400672.1, NM_001400675.1); short protein forms E143G, E84G.
Identifiers: ClinVar variation 1041281 (VCV001041281.7), dbSNP rs1292450812, ClinGen allele CA350283125.

ClinVar aggregate classification (germline): Uncertain significance. Review status: criteria provided, multiple submitters, no conflicts (2 of 4 stars). 2 submissions from 2 submitters: Uncertain significance (2). Last evaluated 2023-03-01.

Conditions:
Inborn genetic diseases. Identifiers: MedGen C0950123, MeSH D030342.
Autoimmune lymphoproliferative syndrome type 2B. Also called: AUTOIMMUNE LYMPHOPROLIFERATIVE SYNDROME, TYPE IIB. Identifiers: Orphanet 275517, MedGen C1846545, MONDO:0011804, OMIM 607271.

Allele frequency attached by ClinVar (database versions not stated): gnomAD exomes below 0.00001 and 0.00002; gnomAD 0.00001; TOPMed 0.00001.
gnomAD v4.1: 29 of 1,613,784 alleles (0.0018%); highest among the groups gnomAD compares: Non-Finnish European, 0.0025%; no homozygotes.

Submissions (2):

Ambry Genetics
Classification: Uncertain significance for Inborn genetic diseases. Last evaluated: 2023-03-01. Review status: criteria provided, single submitter. Criteria: Ambry Variant Classification Scheme 2023. Collection method: clinical testing. Allele origin: germline.

Labcorp Genetics (formerly Invitae), Labcorp
Classification: Uncertain significance for Autoimmune lymphoproliferative syndrome type 2B. Last evaluated: 2022-04-28. Review status: criteria provided, single submitter. Criteria: Invitae Variant Classification Sherloc (09022015). Collection method: clinical testing. Allele origin: germline.
Comment: This sequence change replaces glutamic acid, which is acidic and polar, with glycine, which is neutral and non-polar, at codon 84 of the CASP8 protein (p.Glu84Gly). This variant is present in population databases (no rsID available, gnomAD 0.002%). This variant has not been reported in the literature in individuals affected with CASP8-related conditions. ClinVar contains an entry for this variant (Variation ID: 1041281). Algorithms developed to predict the effect of missense changes on protein structure and function are either unavailable or do not agree on the potential impact of this missense change (SIFT: "Deleterious"; PolyPhen-2: "Benign"; Align-GVGD: "Class C0"). In summary, the available evidence is currently insufficient to determine the role of this variant in disease. Therefore, it has been classified as a Variant of Uncertain Significance.